The following is an entry in ClinVar:

NC_000009.12:g.(?_132900348)_(132921993_?)del

Gene: TSC1 (TSC complex subunit 1; minus strand). Cytogenetic location: 9q34.13.
Variant type: Deletion.
Identifiers: ClinVar variation 831599 (VCV000831599.1).

ClinVar aggregate classification (germline): Pathogenic (1 of 4 stars; one submission).

Conditions:
Tuberous sclerosis 1 (TSC1). Identifiers: Orphanet 805, MedGen C1854465, MONDO:0008612, OMIM 191100.

Submission:

Labcorp Genetics (formerly Invitae), Labcorp
Classification: Pathogenic for Tuberous sclerosis 1. Last evaluated: 2019-06-26. Review status: criteria provided, single submitter. Criteria: Invitae Variant Classification Sherloc (09022015). Collection method: clinical testing. Allele origin: germline.
Comment: This variant is an out-of-frame deletion of the genomic region encompassing exons 7-20 of the TSC1 gene. This is expected to create a premature translational stop signal and result in an absent or disrupted protein product. This variant has not been reported in the literature in individuals with TSC1-related conditions. Loss-of-function variants in TSC1 are known to be pathogenic (PMID: 10227394, 17304050). For these reasons, this variant has been classified as Pathogenic.